The following is an entry in ClinVar:

NM_004415.4(DSP):c.250C>G (p.Arg84Gly)

Gene: DSP (desmoplakin; plus strand). Cytogenetic location: 6p24.3.
Variant type: single nucleotide variant.
Coding change: c.250C>G on transcript NM_004415.4 (MANE Select); coding-DNA position 250, C replaced by G.
Protein change: p.Arg84Gly; replaces arginine 84 with glycine.
Molecular consequence: missense variant.
Genome position (GRCh38, 1-based): chr6:7,555,797, C>G. VCF-style: chr6-7555797-C-G. GRCh37 (hg19) VCF-style: chr6-7556030-C-G.
Other names: c.250C>G, p.Arg84Gly (NM_001008844.3, NM_001319034.2); short protein forms R84G.
Identifiers: ClinVar variation 1525232 (VCV001525232.8), dbSNP rs768521444, ClinGen allele CA362670848.

ClinVar aggregate classification (germline): Uncertain significance (1 of 4 stars; one submission).

Conditions:
Arrhythmogenic right ventricular dysplasia 8 (ARVD8). Also called: Arrhythmogenic Right Ventricular Dysplasia/Cardiomyopathy 8; ARRHYTHMOGENIC RIGHT VENTRICULAR CARDIOMYOPATHY 8; ARRHYTHMOGENIC RIGHT VENTRICULAR DYSPLASIA, FAMILIAL, 8. Identifiers: MedGen C1843896, MONDO:0011831, OMIM 607450.
Arrhythmogenic cardiomyopathy with wooly hair and keratoderma. Also called: PALMOPLANTAR KERATODERMA WITH LEFT VENTRICULAR CARDIOMYOPATHY AND WOOLLY HAIR; Carvajal syndrome; Dilated cardiomyopathy with woolly hair and keratoderma; Arrhythmogenic cardiomyopathy with woolly hair and keratoderma. Identifiers: Orphanet 65282, MedGen C1854063, MONDO:0011581, OMIM 605676.

gnomAD v4.1: 1 of 1,614,140 alleles (0.000062%); highest among the groups gnomAD compares: Non-Finnish European, 0.000085%; no homozygotes.

Submission:

Labcorp Genetics (formerly Invitae), Labcorp
Classification: Uncertain significance for Arrhythmogenic cardiomyopathy with wooly hair and keratoderma; Arrhythmogenic right ventricular dysplasia 8. Last evaluated: 2023-03-29. Review status: criteria provided, single submitter. Criteria: Invitae Variant Classification Sherloc (09022015). Collection method: clinical testing. Allele origin: germline.
Comment: An algorithm developed to predict the effect of missense changes on protein structure and function (PolyPhen-2) suggests that this variant is likely to be disruptive. In summary, the available evidence is currently insufficient to determine the role of this variant in disease. Therefore, it has been classified as a Variant of Uncertain Significance. ClinVar contains an entry for this variant (Variation ID: 1525232). This variant has not been reported in the literature in individuals affected with DSP-related conditions. This variant is not present in population databases (gnomAD no frequency). This sequence change replaces arginine, which is basic and polar, with glycine, which is neutral and non-polar, at codon 84 of the DSP protein (p.Arg84Gly).